The following is an entry in ClinVar:

NM_004006.3(DMD):c.842G>C (p.Ser281Thr)

Gene: DMD (dystrophin; minus strand). Cytogenetic location: Xp21.1.
Variant type: single nucleotide variant.
Coding change: c.842G>C on transcript NM_004006.3 (MANE Select); coding-DNA position 842, G replaced by C.
Protein change: p.Ser281Thr; replaces serine 281 with threonine.
Molecular consequence: missense variant.
Genome position (GRCh38, 1-based): chrX:32,697,988, C>G on the plus strand (G>C on the coding strand, the complement: DMD is on the minus strand). VCF-style: chrX-32697988-C-G. GRCh37 (hg19) VCF-style: chrX-32716105-C-G.
Other names: c.818G>C, p.Ser273Thr (NM_000109.4); c.830G>C, p.Ser277Thr (NM_004009.3); c.473G>C, p.Ser158Thr (NM_004010.3); short protein forms S281T, S158T, S277T, S273T.
Identifiers: ClinVar variation 373618 (VCV000373618.16), dbSNP rs762274027, ClinGen allele CA10380042.

ClinVar aggregate classification (germline): Likely benign. Review status: criteria provided, multiple submitters, no conflicts (2 of 4 stars). 4 submissions from 4 submitters: Likely benign (4). Last evaluated 2026-06-14.

Conditions:
DMD-related disorder. Also called: DMD-related condition.
Cardiovascular phenotype. Identifiers: MedGen CN230736.
Duchenne muscular dystrophy (DMD). Also called: Duchenne Muscular Dystrophy (DMD); MUSCULAR DYSTROPHY, PSEUDOHYPERTROPHIC PROGRESSIVE, DUCHENNE TYPE. Identifiers: Orphanet 98896, MedGen C0013264, MONDO:0010679, OMIM 310200.

Allele frequency attached by ClinVar (database versions not stated): ExAC below 0.00001; gnomAD 0.00002; TOPMed 0.00002; gnomAD exomes 0.00007 and 0.00010.
gnomAD v4.1: 104 of 1,192,545 alleles (0.0087%); highest among the groups gnomAD compares: Non-Finnish European, 0.011%; no homozygotes.

Submissions (4):

PreventionGenetics, part of Exact Sciences
Classification: Likely benign for DMD-related condition. Last evaluated: 2026-06-14. Review status: criteria provided, single submitter. Criteria: ACMG Guidelines, 2015. Collection method: clinical testing. Allele origin: germline.
Comment: This variant is classified as likely benign based on ACMG/AMP sequence variant interpretation guidelines (Richards et al. 2015 PMID: 25741868, with internal and published modifications).

Ambry Genetics
Classification: Likely benign for Cardiovascular phenotype. Last evaluated: 2026-06-03. Review status: criteria provided, single submitter. Criteria: Ambry Variant Classification Scheme 2023. Collection method: clinical testing. Allele origin: germline.

Labcorp Genetics (formerly Invitae), Labcorp
Classification: Likely benign for Duchenne muscular dystrophy. Last evaluated: 2025-12-26. Review status: criteria provided, single submitter. Criteria: Invitae Variant Classification Sherloc (09022015). Collection method: clinical testing. Allele origin: germline.

GeneDx
Classification: Likely benign. Last evaluated: 2017-10-04. Review status: criteria provided, single submitter. Criteria: GeneDx Variant Classification Process June 2021. Collection method: clinical testing. Allele origin: germline. Affected: yes.